The following is an entry in ClinVar:

ClinVar aggregate classification (germline): Uncertain significance (1 of 4 stars; one submission).

Allele frequency attached by ClinVar (database versions not stated): gnomAD exomes below 0.00001; TOPMed below 0.00001.
gnomAD v4.1: 2 of 1,614,206 alleles (0.00012%); highest among the groups gnomAD compares: African/African-American, 0.0027%; no homozygotes.

Submission:

Labcorp Genetics (formerly Invitae), Labcorp
Classification: Uncertain significance. Last evaluated: 2024-11-11. Review status: criteria provided, single submitter. Criteria: Invitae Variant Classification Sherloc (09022015). Collection method: clinical testing. Allele origin: germline.
Comment: This sequence change replaces histidine, which is basic and polar, with asparagine, which is neutral and polar, at codon 945 of the ARHGAP31 protein (p.His945Asn). This variant is not present in population databases (gnomAD no frequency). This variant has not been reported in the literature in individuals affected with ARHGAP31-related conditions. ClinVar contains an entry for this variant (Variation ID: 2120624). An algorithm developed to predict the effect of missense changes on protein structure and function (PolyPhen-2) suggests that this variant is likely to be tolerated. In summary, the available evidence is currently insufficient to determine the role of this variant in disease. Therefore, it has been classified as a Variant of Uncertain Significance.

NM_020754.4(ARHGAP31):c.2833C>A (p.His945Asn)

Gene: ARHGAP31 (Rho GTPase activating protein 31; plus strand). Cytogenetic location: 3q13.33.
Variant type: single nucleotide variant.
Coding change: c.2833C>A on transcript NM_020754.4 (MANE Select); coding-DNA position 2833, C replaced by A.
Protein change: p.His945Asn; replaces histidine 945 with asparagine.
Molecular consequence: missense variant.
Genome position (GRCh38, 1-based): chr3:119,414,762, C>A. VCF-style: chr3-119414762-C-A. GRCh37 (hg19) VCF-style: chr3-119133609-C-A.
Other names: short protein forms H945N.
Identifiers: ClinVar variation 2120624 (VCV002120624.4), dbSNP rs2080756729, ClinGen allele CA354053473.